The following is an entry in ClinVar:

ClinVar aggregate classification (germline): Uncertain significance (1 of 4 stars; one submission).

Conditions:
Shwachman-Diamond syndrome 1 (SDS1). Also called: LIPOMATOSIS OF PANCREAS, CONGENITAL. Identifiers: MedGen C4692625, MONDO:0044204, OMIM 260400.

gnomAD v4.1: 8 of 1,613,870 alleles (0.0005%); highest among the groups gnomAD compares: Non-Finnish European, 0.00068%; no homozygotes.

Submission:

SIB Swiss Institute of Bioinformatics
Classification: Uncertain significance for Shwachman-Diamond syndrome 1. Last evaluated: 2018-04-16. Review status: criteria provided, single submitter. Criteria: ACMG Guidelines, 2015. Collection method: curation. Allele origin: germline.
Comment: This variant is interpreted as a Uncertain Significance, for Shwachman-Diamond syndrome, Autosomal Recessive inheritance. The following ACMG Tag(s) were applied: PM2 => Absent from controls (or at extremely low frequency if recessive) in Exome Sequencing Project, 1000 Genomes Project, or Exome Aggregation Consortium. PP3 => Multiple lines of computational evidence support a deleterious effect on the gene or gene product.

Literature cited by the submitters: PubMed 12496757.

NM_016038.4(SBDS):c.131A>G (p.Glu44Gly)

Gene: SBDS (SBDS ribosome maturation factor; minus strand). Cytogenetic location: 7q11.21.
Variant type: single nucleotide variant.
Coding change: c.131A>G on transcript NM_016038.4 (MANE Select); coding-DNA position 131, A replaced by G.
Protein change: p.Glu44Gly; replaces glutamic acid 44 with glycine.
Molecular consequence: missense variant.
Genome position (GRCh38, 1-based): chr7:66,994,339, T>C on the plus strand (A>G on the coding strand, the complement: SBDS is on the minus strand). VCF-style: chr7-66994339-T-C. GRCh37 (hg19) VCF-style: chr7-66459326-T-C.
Other names: NM_016038.2:c.131A>G(p.Glu44Gly); short protein forms E44G.
Identifiers: ClinVar variation 549499 (VCV000549499.1), dbSNP rs1554341516, ClinGen allele CA367653205.